The following is an entry in ClinVar:

NM_001387283.1(SMARCA4):c.4208G>A (p.Ser1403Asn)

Gene: SMARCA4 (SWI/SNF related BAF chromatin remodeling complex subunit ATPase 4; plus strand). Cytogenetic location: 19p13.2.
Variant type: single nucleotide variant.
Coding change: c.4208G>A on transcript NM_001387283.1 (MANE Plus Clinical); coding-DNA position 4208, G replaced by A.
Protein change: p.Ser1403Asn; replaces serine 1403 with asparagine.
Molecular consequence: missense variant. On other transcripts: intron variant (7).
Genome position (GRCh38, 1-based): chr19:11,039,495, G>A. VCF-style: chr19-11039495-G-A. GRCh37 (hg19) VCF-style: chr19-11150171-G-A.
Other names: c.4208G>A, p.Ser1403Asn (NM_001128849.3); c.4109G>A, p.Ser1370Asn (NM_001411150.1); c.4171-1812G>A (NM_001128844.3, NM_003072.5); c.4072-1812G>A (NM_001128847.4, NM_001374457.1, NM_001128848.2); c.4072-1803G>A (NM_001128845.2, NM_001128846.2); short protein forms S1403N, S1370N.
Identifiers: ClinVar variation 2742638 (VCV002742638.3), dbSNP rs2515442434, ClinGen allele CA404071423.

ClinVar aggregate classification (germline): Uncertain significance (1 of 4 stars; one submission).

Conditions:
Rhabdoid tumor predisposition syndrome 2 (RTPS2). Identifiers: Orphanet 231108, Orphanet 69077, MedGen C2750074, MONDO:0013224, OMIM 613325.

Allele frequency attached by ClinVar (database versions not stated): gnomAD exomes below 0.00001.
gnomAD v4.1: 5 of 1,601,778 alleles (0.00031%); highest among the groups gnomAD compares: African/African-American, 0.0013%; no homozygotes.

Submission:

Labcorp Genetics (formerly Invitae), Labcorp
Classification: Uncertain significance for Rhabdoid tumor predisposition syndrome 2. Last evaluated: 2023-12-20. Review status: criteria provided, single submitter. Criteria: Invitae Variant Classification Sherloc (09022015). Collection method: clinical testing. Allele origin: germline.
Comment: This sequence change replaces serine, which is neutral and polar, with asparagine, which is neutral and polar, at codon 1403 of the SMARCA4 protein (p.Ser1403Asn). This variant is not present in population databases (gnomAD no frequency). This variant has not been reported in the literature in individuals affected with SMARCA4-related conditions. An algorithm developed to predict the effect of missense changes on protein structure and function (PolyPhen-2) suggests that this variant is likely to be tolerated. In summary, the available evidence is currently insufficient to determine the role of this variant in disease. Therefore, it has been classified as a Variant of Uncertain Significance.